The following is an entry in ClinVar:

NM_021926.4(ALX4):c.*3805G>A

Gene: ALX4 (ALX homeobox 4; minus strand). Cytogenetic location: 11p11.2.
Variant type: single nucleotide variant.
Coding change: c.*3805G>A on transcript NM_021926.4 (MANE Select); 3805 bases downstream of the stop codon, G replaced by A.
Molecular consequence: 3 prime UTR variant.
Genome position (GRCh38, 1-based): chr11:44,261,049, C>T on the plus strand (G>A on the coding strand, the complement: ALX4 is on the minus strand). VCF-style: chr11-44261049-C-T. GRCh37 (hg19) VCF-style: chr11-44282599-C-T.
Other names: c.*3805G>A (LRG_1256t1).
Identifiers: ClinVar variation 304612 (VCV000304612.5), dbSNP rs373307279, ClinGen allele CA10634859.
Genomic context (GRCh38, chr11:44,261,049, plus strand): 5'-GAGGGAAGAAAGGAGAGGCCGAGGTTAGGTCATGGAAGCACCTTTCCTCCCTACAGCATC[C>T]TGAAAGAAGTGAAGTGGGGTTGATGGGTCATTGTCACCTTCTTATTTTTTAACTGGATAG-3'

ClinVar aggregate classification (germline): Likely benign (1 of 4 stars; one submission).

Conditions:
Parietal foramina 2 (PFM2). Identifiers: Orphanet 60015, MedGen C1865044, MONDO:0012309, OMIM 609597.

Allele frequency attached by ClinVar (database versions not stated): gnomAD 0.00108 and 0.00118; TOPMed 0.00113; 1000 Genomes Project 0.00180; 1000 Genomes Project 30x 0.00250.

Submission:

Illumina Laboratory Services, Illumina
Classification: Likely benign for Parietal foramina 2. Last evaluated: 2018-01-12. Review status: criteria provided, single submitter. Criteria: ICSL Variant Classification Criteria 13 December 2019. Collection method: clinical testing. Allele origin: germline.
Comment: This variant was observed in the ICSL laboratory as part of a predisposition screen in an ostensibly healthy population. It had not been previously curated by ICSL or reported in the Human Gene Mutation Database (HGMD: prior to June 1st, 2018), and was therefore a candidate for classification through an automated scoring system. Utilizing variant allele frequency, disease prevalence and penetrance estimates, and inheritance mode, an automated score was calculated to assess if this variant is too frequent to cause the disease. Based on the score and internal cut-off values, a variant classified as likely benign is not then subjected to further curation. The score for this variant resulted in a classification of likely benign for this disease.